The following is an entry in ClinVar:

ClinVar aggregate classification (germline): Likely benign. Review status: criteria provided, multiple submitters, no conflicts (2 of 4 stars). 2 submissions from 2 submitters: Likely benign (2). Last evaluated 2025-08-07.

Conditions:
Ehlers-Danlos syndrome, classic type, 1 (EDSCL1). Also called: EHLERS-DANLOS SYNDROME, GRAVIS TYPE; EHLERS-DANLOS SYNDROME, SEVERE CLASSIC TYPE; Ehlers-Danlos Syndrome, Classic Type, COL5A1-Related; Ehlers-Danlos syndrome, type 1; EDS I. Identifiers: MedGen C0268335, MONDO:0019567, OMIM 130000.

Allele frequency attached by ClinVar (database versions not stated): gnomAD 0.00001.
gnomAD v4.1: 12 of 1,613,904 alleles (0.00074%); highest among the groups gnomAD compares: Non-Finnish European, 0.00076%; no homozygotes.

Submissions (2):

Labcorp Genetics (formerly Invitae), Labcorp
Classification: Likely benign for Ehlers-Danlos syndrome, classic type, 1. Last evaluated: 2025-08-07. Review status: criteria provided, single submitter. Criteria: Invitae Variant Classification Sherloc (09022015). Collection method: clinical testing. Allele origin: germline.

CeGaT Center for Human Genetics Tuebingen
Classification: Likely benign. Last evaluated: 2025-05-01. Review status: criteria provided, single submitter. Criteria: CeGaT Center For Human Genetics Tuebingen Variant Classification Criteria Version 2. Collection method: clinical testing. Allele origin: germline. Affected: yes. Observed: 1 variant allele.
Comment: COL5A1: BP4, BP7

NM_000093.5(COL5A1):c.2703G>C (p.Gly901=)

Gene: COL5A1 (collagen type V alpha 1 chain; plus strand). Cytogenetic location: 9q34.3.
Variant type: single nucleotide variant.
Coding change: c.2703G>C on transcript NM_000093.5 (MANE Select); coding-DNA position 2703, G replaced by C.
Protein change: p.Gly901=; no amino-acid change (glycine 901 retained).
Molecular consequence: synonymous variant.
Genome position (GRCh38, 1-based): chr9:134,795,084, G>C. VCF-style: chr9-134795084-G-C. GRCh37 (hg19) VCF-style: chr9-137686930-G-C.
Other names: c.2703G>C, p.Gly901= (NM_001278074.1).
Identifiers: ClinVar variation 2731086 (VCV002731086.13), dbSNP rs749900113, ClinGen allele CA467664371.